The following is an entry in ClinVar:

Single allele

Gene: DMD (dystrophin; minus strand). Cytogenetic location: Xp21.1.
Variant type: Deletion.
Identifiers: ClinVar variation 560054 (VCV000560054.3).

ClinVar aggregate classification (germline): Pathogenic (1 of 4 stars; one submission).

Conditions:
Becker muscular dystrophy (BMD). Also called: Becker Muscular Dystrophy (BMD); MUSCULAR DYSTROPHY, PSEUDOHYPERTROPHIC PROGRESSIVE, BECKER TYPE. Identifiers: Orphanet 98895, MedGen C0917713, MONDO:0010311, OMIM 300376.

Submission:

Geisinger Autism and Developmental Medicine Institute, Geisinger Health System
Classification: Pathogenic for Becker muscular dystrophy. Last evaluated: 2017-05-16. Review status: criteria provided, single submitter. Criteria: ACMG CNV Guidelines, 2011. Collection method: provider interpretation. Allele origin: unknown. Affected: yes.
Comment: Muscle tone and strength appeared normal on exam and there were no gait abnormalities. CK levels, taken after identification of DMD deletion, were significantly elevated (2287).